The following is an entry in ClinVar:

ClinVar aggregate classification (germline): Conflicting classifications of pathogenicity. Review status: criteria provided, conflicting classifications (1 of 4 stars). 3 submissions from 3 submitters: Uncertain significance (2); Likely benign (1). Last evaluated 2024-09-27.

Conditions:
Holoprosencephaly 7 (HPE7). Identifiers: Orphanet 2162, MedGen C1835820, MONDO:0012562, OMIM 610828.
Basal cell carcinoma, susceptibility to, 1. Also called: BCC1. Identifiers: MedGen C2751544, MONDO:0011556, OMIM 605462.
Basal cell nevus syndrome 1 (BCNS1). Also called: GORLIN-GOLTZ SYNDROME; MULTIPLE BASAL CELL NEVI, ODONTOGENIC KERATOCYSTS, AND SKELETAL ANOMALIES. Identifiers: MedGen CN376810, MONDO:0958174, OMIM 109400.
Gorlin syndrome. Also called: Nevoid Basal Cell Carcinoma Syndrome; Basal cell nevus syndrome. Identifiers: Orphanet 377, MedGen C0004779, MONDO:0007187.
Hereditary cancer-predisposing syndrome. Also called: Hereditary neoplastic syndrome; Neoplastic Syndromes, Hereditary; Tumor predisposition; Hereditary Cancer Syndrome. Identifiers: Orphanet 140162, MedGen C0027672, MeSH D009386, MONDO:0015356.

Allele frequency attached by ClinVar (database versions not stated): gnomAD exomes below 0.00001.

Submissions (3):

Labcorp Genetics (formerly Invitae), Labcorp
Classification: Likely benign for Gorlin syndrome. Last evaluated: 2024-09-27. Review status: criteria provided, single submitter. Criteria: Invitae Variant Classification Sherloc (09022015). Collection method: clinical testing. Allele origin: germline.

Fulgent Genetics
Classification: Uncertain significance for Basal cell nevus syndrome 1; Basal cell carcinoma, susceptibility to, 1; Holoprosencephaly 7. Last evaluated: 2024-05-29. Review status: criteria provided, single submitter. Criteria: ACMG Guidelines, 2015. Collection method: clinical testing. Allele origin: germline.

Ambry Genetics
Classification: Uncertain significance for Hereditary cancer-predisposing syndrome. Last evaluated: 2019-10-08. Review status: criteria provided, single submitter. Criteria: Ambry Variant Classification Scheme 2023. Collection method: clinical testing. Allele origin: germline.
Comment: The p.P1286H variant (also known as c.3857C>A), located in coding exon 23 of the PTCH1 gene, results from a C to A substitution at nucleotide position 3857. The proline at codon 1286 is replaced by histidine, an amino acid with similar properties. This amino acid position is not well conserved in available vertebrate species. In addition, this alteration is predicted to be tolerated by in silico analysis. Since supporting evidence is limited at this time, the clinical significance of this alteration remains unclear.

NM_000264.5(PTCH1):c.3857C>A (p.Pro1286His)

Gene: PTCH1 (patched 1; minus strand). Cytogenetic location: 9q22.32.
Variant type: single nucleotide variant.
Coding change: c.3857C>A on transcript NM_000264.5 (MANE Select); coding-DNA position 3857, C replaced by A.
Protein change: p.Pro1286His; replaces proline 1286 with histidine.
Molecular consequence: missense variant. On other transcripts: non-coding transcript variant (1).
Genome position (GRCh38, 1-based): chr9:95,447,399, G>T on the plus strand (C>A on the coding strand, the complement: PTCH1 is on the minus strand). VCF-style: chr9-95447399-G-T. GRCh37 (hg19) VCF-style: chr9-98209681-G-T.
Other names: c.3659C>A, p.Pro1220His (NM_001083602.3); c.3854C>A, p.Pro1285His (NM_001083603.3); c.3404C>A, p.Pro1135His (NM_001083604.3, NM_001083605.3, NM_001083606.3 and 1 more transcripts); c.3701C>A, p.Pro1234His (NM_001354918.2); short protein forms P1135H, P1220H, P1234H, P1285H, P1286H.
Identifiers: ClinVar variation 1003206 (VCV001003206.12), dbSNP rs1278213544, ClinGen allele CA374110778.
Genomic context (GRCh38, chr9:95,447,399, plus strand): 5'-GGGTCCCTGCGGGGCTGCTGGCCTTGCCGTCCGGGAGGCAGGGACCCTGAGTCCAGGTGG[G>T]GCTGCTGTCTCGGGTTCGAGGGTGGGTGATGCCTGGATTCGGGATGGACCACCTGCAGAG-3'
Protein context (NP_000255.2, residues 1276-1296): HHPPSNPRQQ[Pro1286His]HLDSGSLPPG